The following is an entry in ClinVar:

ClinVar aggregate classification (germline): Conflicting classifications of pathogenicity. Review status: criteria provided, conflicting classifications (1 of 4 stars). 9 submissions from 9 submitters: Uncertain significance (7); Likely benign (1). 1 of the submissions does not count toward it. Last evaluated 2025-07-14.

Conditions:
Classic or attenuated familial adenomatous polyposis. Identifiers: MedGen CN372698, MONDO:0021057.
Hereditary cancer-predisposing syndrome. Also called: Tumor predisposition; Hereditary Cancer Syndrome; Hereditary neoplastic syndrome; Neoplastic Syndromes, Hereditary. Identifiers: Orphanet 140162, MedGen C0027672, MeSH D009386, MONDO:0015356.
Familial adenomatous polyposis 1 (FAP1). Also called: FAMILIAL ADENOMATOUS POLYPOSIS 1, ATTENUATED; POLYPOSIS, ADENOMATOUS INTESTINAL. Identifiers: MedGen C2713442, MONDO:0021056, OMIM 175100. Disease mechanism: loss of function.

Allele frequency attached by ClinVar (database versions not stated): gnomAD exomes below 0.00001 and 0.00002; gnomAD 0.00001; ExAC 0.00002.
gnomAD v4.1: 6 of 1,613,962 alleles (0.00037%); highest among the groups gnomAD compares: East Asian, 0.0045%; no homozygotes.

Submissions (9):

Color Diagnostics, LLC DBA Color Health
Classification: Uncertain significance for Hereditary cancer-predisposing syndrome. Last evaluated: 2025-07-14. Review status: criteria provided, single submitter. Criteria: ACMG Guidelines, 2015. Collection method: clinical testing. Allele origin: germline.
Comment: This missense variant replaces methionine with valine at codon 431 of the APC protein. Computational prediction suggests that this variant may not impact protein structure and function. To our knowledge, functional studies have not been reported for this variant. This variant has not been reported in individuals affected with APC-related disorders in the literature. This variant has been identified in 5/250788 chromosomes in the general population by the Genome Aggregation Database (gnomAD). The available evidence is insufficient to determine the role of this variant in disease conclusively. Therefore, this variant is classified as a Variant of Uncertain Significance.

Labcorp Genetics (formerly Invitae), Labcorp
Classification: Uncertain significance for Familial adenomatous polyposis 1. Last evaluated: 2025-05-13. Review status: criteria provided, single submitter. Criteria: Invitae Variant Classification Sherloc (09022015). Collection method: clinical testing. Allele origin: germline.
Comment: This sequence change replaces methionine, which is neutral and non-polar, with valine, which is neutral and non-polar, at codon 431 of the APC protein (p.Met431Val). This variant is present in population databases (rs730881235, gnomAD 0.01%). This variant has not been reported in the literature in individuals affected with APC-related conditions. ClinVar contains an entry for this variant (Variation ID: 181787). Invitae Evidence Modeling of protein sequence and biophysical properties (such as structural, functional, and spatial information, amino acid conservation, physicochemical variation, residue mobility, and thermodynamic stability) indicates that this missense variant is not expected to disrupt APC protein function with a negative predictive value of 95%. In summary, the available evidence is currently insufficient to determine the role of this variant in disease. Therefore, it has been classified as a Variant of Uncertain Significance.

All of Us Research Program, National Institutes of Health
Classification: Uncertain significance for Classic or attenuated familial adenomatous polyposis. Last evaluated: 2023-11-02. Review status: criteria provided, single submitter. Criteria: ACMG Guidelines, 2015. Collection method: clinical testing. Allele origin: germline. Inheritance: Autosomal dominant inheritance. Observed: 3 variant alleles, 3 heterozygotes.
Comment: This missense variant replaces methionine with valine at codon 431 of the APC protein. Computational prediction suggests that this variant may not impact protein structure and function (internally defined REVEL score threshold <= 0.5, PMID: 27666373). To our knowledge, functional studies have not been reported for this variant. This variant has not been reported in individuals affected with APC-related disorders in the literature. This variant has been identified in 5/250788 chromosomes in the general population by the Genome Aggregation Database (gnomAD). The available evidence is insufficient to determine the role of this variant in disease conclusively. Therefore, this variant is classified as a Variant of Uncertain Significance.

This study involves interpretation of variants in research participants for the purpose of population health screening. Participant phenotype was not available at the time of variant classification. Additional details can be found in publication PMID: 35346344, PMCID: PMC8962531

GeneDx
Classification: Uncertain significance. Last evaluated: 2023-09-10. Review status: criteria provided, single submitter. Criteria: GeneDx Variant Classification Process June 2021. Collection method: clinical testing. Allele origin: germline. Affected: yes.
Comment: Not observed at significant frequency in large population cohorts (gnomAD); In silico analysis supports that this missense variant does not alter protein structure/function; Has not been previously published as pathogenic or benign to our knowledge

Myriad Genetics, Inc.
Classification: Uncertain significance for Familial adenomatous polyposis 1. Last evaluated: 2023-02-17. Review status: criteria provided, single submitter. Criteria: Myriad Autosomal Dominant, Autosomal Recessive and X-Linked Classification Criteria (2023). Collection method: clinical testing. Allele origin: unknown.
Comment: This variant is classified as a variant of uncertain significance as there is insufficient evidence to determine its impact on protein function and/or cancer risk.

Ambry Genetics
Classification: Likely benign for Hereditary cancer-predisposing syndrome. Last evaluated: 2022-03-29. Review status: criteria provided, single submitter. Criteria: Ambry Variant Classification Scheme 2023. Collection method: clinical testing. Allele origin: germline.

Women's Health and Genetics/Laboratory Corporation of America, LabCorp
Classification: Uncertain significance. Last evaluated: 2020-09-03. Review status: criteria provided, single submitter. Criteria: LabCorp Variant Classification Summary - May 2015. Collection method: clinical testing. Allele origin: germline.
Comment: Variant summary: APC c.1291A>G (p.Met431Val) results in a conservative amino acid change in the encoded protein sequence. Four of five in-silico tools predict a benign effect of the variant on protein function. The variant allele was found at a frequency of 2e-05 in 250788 control chromosomes. The available data on variant occurrences in the general population are insufficient to allow any conclusion about variant significance. To our knowledge, no occurrence of c.1291A>G in individuals affected with Familial Adenomatous Polyposis and no experimental evidence demonstrating its impact on protein function have been reported. Five clinical diagnostic laboratories have submitted clinical-significance assessments for this variant to ClinVar after 2014 without evidence for independent evaluation. All laboratories classified the variant as uncertain significance. Based on the evidence outlined above, the variant was classified as uncertain significance.

Quest Diagnostics Nichols Institute San Juan Capistrano
Classification: Uncertain significance. Last evaluated: 2017-06-13. Review status: criteria provided, single submitter. Criteria: Quest Diagnostics criteria. Collection method: clinical testing. Allele origin: germline.

Counsyl
Classification: Uncertain significance for Familial adenomatous polyposis 1. Last evaluated: 2017-12-29. Review status: no assertion criteria provided. Collection method: clinical testing. Allele origin: unknown. Not counted in ClinVar's aggregate classification.

NM_000038.6(APC):c.1291A>G (p.Met431Val)

Gene: APC (APC regulator of Wnt signaling pathway; plus strand). Cytogenetic location: 5q22.2.
Variant type: single nucleotide variant.
Coding change: c.1291A>G on transcript NM_000038.6 (MANE Select); coding-DNA position 1291, A replaced by G.
Protein change: p.Met431Val; replaces methionine 431 with valine.
Molecular consequence: missense variant.
Genome position (GRCh38, 1-based): chr5:112,819,323, A>G. VCF-style: chr5-112819323-A-G. GRCh37 (hg19) VCF-style: chr5-112155020-A-G.
Other names: p.M431V:ATG>GTG; c.1291A>G, p.Met431Val (NM_001127510.3, NM_001354895.2, NM_001354896.2); c.1237A>G, p.Met413Val (NM_001127511.3); c.1321A>G, p.Met441Val (NM_001354897.2); c.1216A>G, p.Met406Val (NM_001354898.2); c.1207A>G, p.Met403Val (NM_001354899.2); c.1114A>G, p.Met372Val (NM_001354900.2, NM_001354901.2); c.1018A>G, p.Met340Val (NM_001354902.2); and 4 more; short protein forms M413V, M431V, M340V, M403V, M441V, M148V, M271V, M305V.
Identifiers: ClinVar variation 181787 (VCV000181787.23), dbSNP rs730881235, ClinGen allele CA004131.